The following is an entry in ClinVar:

NM_001367823.1(ARHGEF18):c.3872G>A (p.Ser1291Asn)

Gene: ARHGEF18 (Rho/Rac guanine nucleotide exchange factor 18; plus strand). Cytogenetic location: 19p13.2.
Variant type: single nucleotide variant.
Coding change: c.3872G>A on transcript NM_001367823.1 (MANE Select); coding-DNA position 3872, G replaced by A.
Protein change: p.Ser1291Asn; replaces serine 1291 with asparagine.
Molecular consequence: missense variant.
Genome position (GRCh38, 1-based): chr19:7,469,988, G>A. VCF-style: chr19-7469988-G-A. GRCh37 (hg19) VCF-style: chr19-7534874-G-A.
Other names: c.3146G>A, p.Ser1049Asn (NM_001130955.2); c.2834G>A, p.Ser945Asn (NM_001367824.1, NM_015318.4); short protein forms S1049N, S1291N, S945N.
Identifiers: ClinVar variation 2001498 (VCV002001498.4), dbSNP rs2512359333, ClinGen allele CA403096384.
Genomic context (GRCh38, chr19:7,469,988, plus strand): 5'-TGCTGCTCAACAAGCTCATGGGGAAAGATGAGAGCACCTCACGGAACCGCCGCTCGCTGA[G>A]CCCTATCCTGCCCGGCAGACACAGTCCTGCGCCCCCACCAGGTGAGCCCCCACCCCCTGA-3'
Protein context (NP_001354752.1, residues 1281-1301): ESTSRNRRSL[Ser1291Asn]PILPGRHSPA

ClinVar aggregate classification (germline): Uncertain significance (1 of 4 stars; one submission).

Submission:

Labcorp Genetics (formerly Invitae), Labcorp
Classification: Uncertain significance. Last evaluated: 2022-05-31. Review status: criteria provided, single submitter. Criteria: Invitae Variant Classification Sherloc (09022015). Collection method: clinical testing. Allele origin: germline.
Comment: This sequence change replaces serine, which is neutral and polar, with asparagine, which is neutral and polar, at codon 1103 of the ARHGEF18 protein (p.Ser1103Asn). This variant is not present in population databases (gnomAD no frequency). This variant has not been reported in the literature in individuals affected with ARHGEF18-related conditions. Algorithms developed to predict the effect of missense changes on protein structure and function (SIFT, PolyPhen-2, Align-GVGD) all suggest that this variant is likely to be disruptive. In summary, the available evidence is currently insufficient to determine the role of this variant in disease. Therefore, it has been classified as a Variant of Uncertain Significance.